The following is an entry in ClinVar:

NM_001001331.4(ATP2B2):c.1890C>A (p.Ile630=)

Gene: ATP2B2 (ATPase plasma membrane Ca2+ transporting 2; minus strand). Cytogenetic location: 3p25.3.
Variant type: single nucleotide variant.
Coding change: c.1890C>A on transcript NM_001001331.4 (MANE Select); coding-DNA position 1890, C replaced by A.
Protein change: p.Ile630=; no amino-acid change (isoleucine 630 retained).
Molecular consequence: synonymous variant.
Genome position (GRCh38, 1-based): chr3:10,359,893, G>T on the plus strand (C>A on the coding strand, the complement: ATP2B2 is on the minus strand). VCF-style: chr3-10359893-G-T. GRCh37 (hg19) VCF-style: chr3-10401577-G-T.
Other names: c.1755C>A, p.Ile585= (NM_001330611.3, NM_001353564.1, NM_001363862.1 and 1 more transcripts).
Identifiers: ClinVar variation 2571174 (VCV002571174.30), dbSNP rs373144988, ClinGen allele CA2253563.

ClinVar aggregate classification (germline): Likely benign. Review status: criteria provided, multiple submitters, no conflicts (2 of 4 stars). 2 submissions from 2 submitters: Likely benign (2). Last evaluated 2023-05-01.

gnomAD v4.1: 43 of 1,614,116 alleles (0.0027%); highest among the groups gnomAD compares: Non-Finnish European, 0.0035%; no homozygotes.

Submissions (2):

CeGaT Center for Human Genetics Tuebingen
Classification: Likely benign. Last evaluated: 2023-05-01. Review status: criteria provided, single submitter. Criteria: CeGaT Center For Human Genetics Tuebingen Variant Classification Criteria Version 2. Collection method: clinical testing. Allele origin: germline. Affected: yes. Observed: 1 variant allele.
Comment: ATP2B2: BP4, BP7

Labcorp Genetics (formerly Invitae), Labcorp
Classification: Likely benign. Last evaluated: 2023-04-30. Review status: criteria provided, single submitter. Criteria: Invitae Variant Classification Sherloc (09022015). Collection method: clinical testing. Allele origin: germline.